The following is an entry in ClinVar:

NM_000883.4(IMPDH1):c.987_988delinsCG (p.Leu330Val)

Gene: IMPDH1 (inosine monophosphate dehydrogenase 1; minus strand). Cytogenetic location: 7q32.1.
Variant type: Indel.
Coding change: c.987_988delinsCG on transcript NM_000883.4 (MANE Select); coding-DNA positions 987 to 988, GC replaced by CG.
Protein change: p.Leu330Val; replaces leucine 330 with valine.
Molecular consequence: missense variant.
Genome position (GRCh38, 1-based): chr7:128,398,500-128,398,501, GC replaced by CG on the plus strand (GC replaced by CG on the coding strand, the reverse complement: IMPDH1 is on the minus strand). VCF-style: chr7-128398500-GC-CG. GRCh37 (hg19) VCF-style: chr7-128038554-GC-CG.
Other names: c.780_781delinsCG, p.Leu261Val (NM_001304521.2); c.879_880delinsCG, p.Leu294Val (NM_183243.3); c.957_958delinsCG, p.Leu320Val (NM_001102605.2); c.732_733delinsCG, p.Leu245Val (NM_001142573.2); c.717_718delinsCG, p.Leu240Val (NM_001142574.2); c.657_658delinsCG, p.Leu220Val (NM_001142575.2); c.888_889delinsCG, p.Leu297Val (NM_001142576.2); short protein forms L245V, L240V, L294V, L297V, L320V, L220V, L261V, L330V.
Identifiers: ClinVar variation 2849769 (VCV002849769.3), dbSNP rs2535751941, ClinGen allele CA2739278929.

ClinVar aggregate classification (germline): Uncertain significance (1 of 4 stars; one submission).

Submission:

Labcorp Genetics (formerly Invitae), Labcorp
Classification: Uncertain significance. Last evaluated: 2024-09-26. Review status: criteria provided, single submitter. Criteria: Invitae Variant Classification Sherloc (09022015). Collection method: clinical testing. Allele origin: germline.
Comment: This sequence change replaces leucine, which is neutral and non-polar, with valine, which is neutral and non-polar, at codon 330 of the IMPDH1 protein (p.Leu330Val). Information on the frequency of this variant in the gnomAD database is not available, as this variant may be reported differently in the database. This variant has not been reported in the literature in individuals affected with IMPDH1-related conditions. Experimental studies and prediction algorithms are not available or were not evaluated, and the functional significance of this variant is currently unknown. In summary, the available evidence is currently insufficient to determine the role of this variant in disease. Therefore, it has been classified as a Variant of Uncertain Significance.